The following is an entry in ClinVar:

NM_002693.3(POLG):c.1297_1300delinsATCTGGTG (p.Ser433_Tyr434delinsIleTrpTer)

Gene: POLG (DNA polymerase gamma, catalytic subunit; minus strand). Cytogenetic location: 15q26.1.
Variant type: Indel.
Coding change: c.1297_1300delinsATCTGGTG on transcript NM_002693.3 (MANE Select); coding-DNA positions 1297 to 1300, TCCT replaced by ATCTGGTG.
Protein change: p.Ser433_Tyr434delinsIleTrpTer.
Molecular consequence: nonsense.
Genome position (GRCh38, 1-based): chr15:89,327,300-89,327,303, AGGA replaced by CACCAGAT on the plus strand (TCCT replaced by ATCTGGTG on the coding strand, the reverse complement: POLG is on the minus strand). VCF-style: chr15-89327300-AGGA-CACCAGAT. GRCh37 (hg19) VCF-style: chr15-89870531-AGGA-CACCAGAT.
Other names: c.1297_1300delinsATCTGGTG, p.Ser433_Tyr434delinsIleTrpTer (NM_001126131.2).
Identifiers: ClinVar variation 5013915 (VCV005013915.1).

ClinVar aggregate classification (germline): Pathogenic (1 of 4 stars; one submission).

Conditions:
POLG-related disorder. Also called: POLG-Related Spectrum Disorders; POLG-related condition; POLG-Related Disorders. Identifiers: MedGen C4763519.

Submission:

Myriad Genetics, Inc.
Classification: Pathogenic for POLG-related disorder. Last evaluated: 2025-01-03. Review status: criteria provided, single submitter. Criteria: Myriad Autosomal Dominant, Autosomal Recessive and X-Linked Classification Criteria (2023). Collection method: clinical testing. Allele origin: unknown.
Comment: NM_002693.2(POLG):c.1297_1300del4ins8(S433Ifs*3) is expected to be pathogenic in the context of POLG-related disorders. This variant is predicted to lead to an abnormal or absent protein product due to the creation of a premature termination codon in POLG, a gene where loss-of-function variants are known to be pathogenic. Please note: this variant was assessed in the context of healthy population screening.